The following is an entry in ClinVar:

ClinVar aggregate classification (germline): Uncertain significance (1 of 4 stars; one submission).

Conditions:
Ullrich congenital muscular dystrophy 2 (UCMD2). Identifiers: Orphanet 75840, MedGen C4225314, MONDO:0014654, OMIM 616470.
Bethlem myopathy 2 (BTHLM2). Identifiers: Orphanet 536516, Orphanet 610, MedGen C4225313, MONDO:0034022, OMIM 616471.

gnomAD v4.1: 4 of 1,613,824 alleles (0.00025%); highest among the groups gnomAD compares: Non-Finnish European, 0.00034%; no homozygotes.

Submission:

Labcorp Genetics (formerly Invitae), Labcorp
Classification: Uncertain significance for Bethlem myopathy 2; Ullrich congenital muscular dystrophy 2. Last evaluated: 2024-05-13. Review status: criteria provided, single submitter. Criteria: Invitae Variant Classification Sherloc (09022015). Collection method: clinical testing. Allele origin: germline.
Comment: This sequence change replaces serine, which is neutral and polar, with arginine, which is basic and polar, at codon 1580 of the COL12A1 protein (p.Ser1580Arg). This variant is present in population databases (rs776482139, gnomAD 0.004%). This variant has not been reported in the literature in individuals affected with COL12A1-related conditions. Advanced modeling of protein sequence and biophysical properties (such as structural, functional, and spatial information, amino acid conservation, physicochemical variation, residue mobility, and thermodynamic stability) has been performed at Invitae for this missense variant, however the output from this modeling did not meet the statistical confidence thresholds required to predict the impact of this variant on COL12A1 protein function. In summary, the available evidence is currently insufficient to determine the role of this variant in disease. Therefore, it has been classified as a Variant of Uncertain Significance.

NM_004370.6(COL12A1):c.4740C>G (p.Ser1580Arg)

Gene: COL12A1 (collagen type XII alpha 1 chain; minus strand). Cytogenetic location: 6q13.
Variant type: single nucleotide variant.
Coding change: c.4740C>G on transcript NM_004370.6 (MANE Select); coding-DNA position 4740, C replaced by G.
Protein change: p.Ser1580Arg; replaces serine 1580 with arginine.
Molecular consequence: missense variant.
Genome position (GRCh38, 1-based): chr6:75,143,339, G>C on the plus strand (C>G on the coding strand, the complement: COL12A1 is on the minus strand). VCF-style: chr6-75143339-G-C. GRCh37 (hg19) VCF-style: chr6-75853055-G-C.
Other names: c.4740C>G, p.Ser1580Arg (NM_001424113.1, NM_001424114.1); c.4467C>G, p.Ser1489Arg (NM_001424115.1); c.1248C>G, p.Ser416Arg (NM_001424116.1, NM_080645.3); short protein forms S1489R, S1580R, S416R.
Identifiers: ClinVar variation 3749811 (VCV003749811.2).